The following is an entry in ClinVar:

ClinVar aggregate classification (germline): Benign/Likely benign. Review status: criteria provided, multiple submitters, no conflicts (2 of 4 stars). 3 submissions from 3 submitters: Benign (2); Likely benign (1). Last evaluated 2023-03-01.

Allele frequency attached by ClinVar (database versions not stated): gnomAD exomes 0.00019 and 0.00043; ExAC 0.00060; gnomAD 0.00172 and 0.00185; 1000 Genomes Project 0.00180; TOPMed 0.00184; ESP Exome Variant Server 0.00192; 1000 Genomes Project 30x 0.00234.
gnomAD v4.1: 545 of 1,613,958 alleles (0.034%); highest among the groups gnomAD compares: African/African-American, 0.61%; no homozygotes.

Submissions (3):

CeGaT Center for Human Genetics Tuebingen
Classification: Likely benign. Last evaluated: 2023-03-01. Review status: criteria provided, single submitter. Criteria: CeGaT Center For Human Genetics Tuebingen Variant Classification Criteria Version 2. Collection method: clinical testing. Allele origin: germline. Affected: yes. Observed: 1 variant allele.
Comment: GLIPR2: BP4, BP7

Labcorp Genetics (formerly Invitae), Labcorp
Classification: Benign. Last evaluated: 2018-07-23. Review status: criteria provided, single submitter. Criteria: Invitae Variant Classification Sherloc (09022015). Collection method: clinical testing. Allele origin: germline.

Breakthrough Genomics
Classification: Benign. Review status: criteria provided, single submitter. Criteria: ACMG Guidelines, 2015. Collection method: not provided. Allele origin: germline. Inheritance: Unknown mechanism. Affected: yes.

NM_022343.4(GLIPR2):c.372C>T (p.Asp124=)

Gene: GLIPR2 (GLI pathogenesis related 2; plus strand). Cytogenetic location: 9p13.3.
Variant type: single nucleotide variant.
Coding change: c.372C>T on transcript NM_022343.4 (MANE Select); coding-DNA position 372, C replaced by T.
Protein change: p.Asp124=; no amino-acid change (aspartic acid 124 retained).
Molecular consequence: synonymous variant. On other transcripts: 3 prime UTR variant (2), non-coding transcript variant (5).
Genome position (GRCh38, 1-based): chr9:36,162,429, C>T. VCF-style: chr9-36162429-C-T. GRCh37 (hg19) VCF-style: chr9-36162426-C-T.
Other names: c.294C>T, p.Asp98= (NM_001287010.2); c.*187C>T (NM_001287011.2); c.*1C>T (NM_001287012.2); c.417C>T, p.Asp139= (NM_001287013.2); c.126C>T, p.Asp42= (NM_001287014.2).
Identifiers: ClinVar variation 727326 (VCV000727326.28), dbSNP rs73648727, ClinGen allele CA5055684.